The following is an entry in ClinVar:

NM_000059.4(BRCA2):c.438del (p.Gln147fs)

Gene: BRCA2 (BRCA2 DNA repair associated; plus strand). Cytogenetic location: 13q13.1.
Variant type: Deletion.
Coding change: c.438del on transcript NM_000059.4 (MANE Select); coding-DNA position 438, one base deleted (A; older notation c.438delA).
Protein change: p.Gln147fs; shifts the reading frame from glutamine 147.
Molecular consequence: frameshift variant.
Genome position (GRCh38, 1-based): chr13:32,326,113, A deleted. VCF-style (leftmost placement, unchanged base first): chr13-32326112-TA-T. GRCh37 (hg19) VCF-style: chr13-32900249-TA-T.
Other names: 0666delA-ter151; c.438delA (NM_000059.3).
Identifiers: ClinVar variation 51639 (VCV000051639.7), dbSNP rs397507716, ClinGen allele CA020078.

ClinVar aggregate classification (germline): Pathogenic. Review status: reviewed by expert panel (3 of 4 stars). 2 submissions from 2 submitters: Pathogenic (1). 1 of the submissions does not count toward it. Last evaluated 2016-10-18.

Conditions:
Breast-ovarian cancer, familial, susceptibility to, 2 (BROVCA2). Also called: BRCA2 Hereditary Breast and Ovarian Cancer. Identifiers: Orphanet 145, MedGen C2675520, MONDO:0012933, OMIM 612555. Disease mechanism: loss of function.

Submissions (2):

Evidence-based Network for the Interpretation of Germline Mutant Alleles (ENIGMA)
Classification: Pathogenic for Breast-ovarian cancer, familial, susceptibility to, 2. Last evaluated: 2016-10-18. Review status: reviewed by expert panel. Criteria: ENIGMA BRCA1/2 Classification Criteria (2015). Collection method: curation. Allele origin: germline.
Comment: Variant allele predicted to encode a truncated non-functional protein.

Consortium of Investigators of Modifiers of BRCA1/2 (CIMBA), c/o University of Cambridge
Classification: Pathogenic for Breast-ovarian cancer, familial, susceptibility to, 2. Last evaluated: 2015-10-02. Review status: criteria provided, single submitter. Criteria: CIMBA Mutation Classification guidelines May 2016. Collection method: clinical testing. Allele origin: germline. Not counted in ClinVar's aggregate classification.